The following is an entry in ClinVar:

ClinVar aggregate classification (germline): Likely benign. Review status: criteria provided, multiple submitters, no conflicts (2 of 4 stars). 3 submissions from 3 submitters: Likely benign (2). 1 of the submissions does not count toward it. Last evaluated 2024-01-29.

Conditions:
CEP290-related disorder. Also called: CEP290-related condition; CEP290-related disorders. Identifiers: MedGen CN239314.
Meckel-Gruber syndrome. Also called: DYSENCEPHALIA SPLANCHNOCYSTICA; GRUBER SYNDROME; Dysencephalia splachnocystica. Identifiers: Orphanet 564, MedGen C0265215, MONDO:0018921.
Joubert syndrome. Also called: JOUBERT-BOLTSHAUSER SYNDROME; Familial aplasia of the vermis. Identifiers: Orphanet 475, MedGen C5979921, MONDO:0018772.
Nephronophthisis. Also called: Juvenile Nephronophthisis. Identifiers: Orphanet 655, MedGen C0687120, MONDO:0019005, HP:0000090.

Allele frequency attached by ClinVar (database versions not stated): gnomAD exomes below 0.00001; gnomAD 0.00001; TOPMed 0.00001.
gnomAD v4.1: 5 of 1,559,222 alleles (0.00032%); highest among the groups gnomAD compares: East Asian, 0.0023%; no homozygotes.

Submissions (3):

Labcorp Genetics (formerly Invitae), Labcorp
Classification: Likely benign for Joubert syndrome; Meckel-Gruber syndrome; Nephronophthisis. Last evaluated: 2024-01-29. Review status: criteria provided, single submitter. Criteria: Invitae Variant Classification Sherloc (09022015). Collection method: clinical testing. Allele origin: germline.

Blueprint Genetics
Classification: Likely benign. Last evaluated: 2023-07-11. Review status: criteria provided, single submitter. Criteria: ACMG Guidelines, 2015. Collection method: clinical testing. Allele origin: germline.

PreventionGenetics, part of Exact Sciences
Classification: Likely benign for CEP290-related condition. Last evaluated: 2019-10-15. Review status: no assertion criteria provided. Collection method: clinical testing. Allele origin: germline. Not counted in ClinVar's aggregate classification.
Comment: This variant is classified as likely benign based on ACMG/AMP sequence variant interpretation guidelines (Richards et al. 2015 PMID: 25741868, with internal and published modifications).

NM_025114.4(CEP290):c.3550A>C (p.Arg1184=)

Gene: CEP290 (centrosomal protein 290; minus strand). Cytogenetic location: 12q21.32.
Variant type: single nucleotide variant.
Coding change: c.3550A>C on transcript NM_025114.4 (MANE Select); coding-DNA position 3550, A replaced by C.
Protein change: p.Arg1184=; no amino-acid change (arginine 1184 retained).
Molecular consequence: synonymous variant.
Genome position (GRCh38, 1-based): chr12:88,090,751, T>G on the plus strand (A>C on the coding strand, the complement: CEP290 is on the minus strand). VCF-style: chr12-88090751-T-G. GRCh37 (hg19) VCF-style: chr12-88484528-T-G.
Other names: c.3550A>C (NM_025114.3).
Identifiers: ClinVar variation 1116168 (VCV001116168.12), dbSNP rs1275942966, ClinGen allele CA481077111.